The following is an entry in ClinVar:

ClinVar aggregate classification (germline): Pathogenic (1 of 4 stars; one submission).

Conditions:
Telangiectasia, hereditary hemorrhagic, type 2 (HHT2). Also called: ACVRL1-Related Hereditary Hemorrhagic Telangiectasia; Telangiectasia, hereditary hemorrhagic, type II. Identifiers: Orphanet 774, MedGen C1838163, MONDO:0010880, OMIM 600376. Disease mechanism: loss of function.

Submission:

Labcorp Genetics (formerly Invitae), Labcorp
Classification: Pathogenic for Telangiectasia, hereditary hemorrhagic, type 2. Last evaluated: 2024-12-10. Review status: criteria provided, single submitter. Criteria: Invitae Variant Classification Sherloc (09022015). Collection method: clinical testing. Allele origin: germline.
Comment: This sequence change replaces tryptophan, which is neutral and slightly polar, with cysteine, which is neutral and slightly polar, at codon 50 of the ACVRL1 protein (p.Trp50Cys). This variant is not present in population databases (gnomAD no frequency). This missense change has been observed in individuals with hereditary hemorrhagic telangiectasia (PMID: 9245985, 10767348; internal data). ClinVar contains an entry for this variant (Variation ID: 1459447). Invitae Evidence Modeling of protein sequence and biophysical properties (such as structural, functional, and spatial information, amino acid conservation, physicochemical variation, residue mobility, and thermodynamic stability) has been performed for this missense variant. However, the output from this modeling did not meet the statistical confidence thresholds required to predict the impact of this variant on ACVRL1 protein function. Experimental studies have shown that this missense change affects ACVRL1 function (PMID: 10187774, 14684682). For these reasons, this variant has been classified as Pathogenic.

Literature cited by the submitters: PubMed 9245985; PubMed 10767348; PubMed 10187774; PubMed 14684682.

NM_000020.3(ACVRL1):c.150G>C (p.Trp50Cys)

Gene: ACVRL1 (activin A receptor like type 1; plus strand). Cytogenetic location: 12q13.13.
Variant type: single nucleotide variant.
Coding change: c.150G>C on transcript NM_000020.3 (MANE Select); coding-DNA position 150, G replaced by C.
Protein change: p.Trp50Cys; replaces tryptophan 50 with cysteine.
Molecular consequence: missense variant.
Genome position (GRCh38, 1-based): chr12:51,913,187, G>C. VCF-style: chr12-51913187-G-C. GRCh37 (hg19) VCF-style: chr12-52306971-G-C.
Other names: c.150G>C, p.Trp50Cys (NM_001077401.2); short protein forms W50C.
Identifiers: ClinVar variation 1459447 (VCV001459447.6), dbSNP rs121909285, ClinGen allele CA384897711.
Genomic context (GRCh38, chr12:51,913,187, plus strand): 5'-GCTGGTGACCTGCACGTGTGAGAGCCCACATTGCAAGGGGCCTACCTGCCGGGGGGCCTG[G>C]TGCACAGTAGTGCTGGTGCGGGAGGAGGGGAGGCACCCCCAGGAACATCGGGGCTGCGGG-3'
Protein context (NP_000011.2, residues 40-60): HCKGPTCRGA[Trp50Cys]CTVVLVREEG